The following is an entry in ClinVar:

ClinVar aggregate classification (germline): Uncertain significance. Review status: criteria provided, multiple submitters, no conflicts (2 of 4 stars). 2 submissions from 2 submitters: Uncertain significance (2). Last evaluated 2026-01-09.

Allele frequency attached by ClinVar (database versions not stated): ExAC 0.00001; gnomAD exomes 0.00001; gnomAD 0.00002; TOPMed 0.00002.
gnomAD v4.1: 18 of 1,613,824 alleles (0.0011%); highest among the groups gnomAD compares: Non-Finnish European, 0.0014%; no homozygotes.

Submissions (2):

Labcorp Genetics (formerly Invitae), Labcorp
Classification: Uncertain significance. Last evaluated: 2026-01-09. Review status: criteria provided, single submitter. Criteria: Invitae Variant Classification Sherloc (09022015). Collection method: clinical testing. Allele origin: germline.
Comment: This sequence change replaces asparagine, which is neutral and polar, with lysine, which is basic and polar, at codon 855 of the DNA2 protein (p.Asn855Lys). This variant is present in population databases (rs757461455, gnomAD 0.003%). This variant has not been reported in the literature in individuals affected with DNA2-related conditions. ClinVar contains an entry for this variant (Variation ID: 2149766). Invitae Evidence Modeling of protein sequence and biophysical properties (such as structural, functional, and spatial information, amino acid conservation, physicochemical variation, residue mobility, and thermodynamic stability) indicates that this missense variant is not expected to disrupt DNA2 protein function with a negative predictive value of 80%. In summary, the available evidence is currently insufficient to determine the role of this variant in disease. Therefore, it has been classified as a Variant of Uncertain Significance.

Mayo Clinic Laboratories, Mayo Clinic
Classification: Uncertain significance. Last evaluated: 2025-02-02. Review status: criteria provided, single submitter. Criteria: ACMG Guidelines, 2015. Collection method: clinical testing. Allele origin: germline. Observed: 2 variant alleles.

NM_001080449.3(DNA2):c.2565T>A (p.Asn855Lys)

Gene: DNA2 (DNA replication helicase/nuclease 2; minus strand). Cytogenetic location: 10q21.3.
Variant type: single nucleotide variant.
Coding change: c.2565T>A on transcript NM_001080449.3 (MANE Select); coding-DNA position 2565, T replaced by A.
Protein change: p.Asn855Lys; replaces asparagine 855 with lysine.
Molecular consequence: missense variant. On other transcripts: non-coding transcript variant (1).
Genome position (GRCh38, 1-based): chr10:68,422,357, A>T on the plus strand (T>A on the coding strand, the complement: DNA2 is on the minus strand). VCF-style: chr10-68422357-A-T. GRCh37 (hg19) VCF-style: chr10-70182114-A-T.
Other names: p.Asn855Lys; short protein forms N855K.
Identifiers: ClinVar variation 2149766 (VCV002149766.5), dbSNP rs757461455, ClinGen allele CA5524784.